The following is an entry in ClinVar:

NM_014000.3(VCL):c.1045G>A (p.Ala349Thr)

Gene: VCL (vinculin; plus strand). Cytogenetic location: 10q22.2.
Variant type: single nucleotide variant.
Coding change: c.1045G>A on transcript NM_014000.3 (MANE Select); coding-DNA position 1045, G replaced by A.
Protein change: p.Ala349Thr; replaces alanine 349 with threonine.
Molecular consequence: missense variant.
Genome position (GRCh38, 1-based): chr10:74,089,218, G>A. VCF-style: chr10-74089218-G-A. GRCh37 (hg19) VCF-style: chr10-75848976-G-A.
Other names: c.1045G>A, p.Ala349Thr (NM_003373.4); short protein forms A349T.
Identifiers: ClinVar variation 4742716 (VCV004742716.1).

ClinVar aggregate classification (germline): Uncertain significance (1 of 4 stars; one submission).

Conditions:
Dilated cardiomyopathy 1W (CMD1W). Identifiers: Orphanet 154, MedGen C1969639, MONDO:0012667, OMIM 611407.

gnomAD v4.1: 5 of 1,614,050 alleles (0.00031%); highest among the groups gnomAD compares: Non-Finnish European, 0.00042%; no homozygotes.

Submission:

Labcorp Genetics (formerly Invitae), Labcorp
Classification: Uncertain significance for Dilated cardiomyopathy 1W. Last evaluated: 2025-08-24. Review status: criteria provided, single submitter. Criteria: Invitae Variant Classification Sherloc (09022015). Collection method: clinical testing. Allele origin: germline.
Comment: This sequence change replaces alanine, which is neutral and non-polar, with threonine, which is neutral and polar, at codon 349 of the VCL protein (p.Ala349Thr). This variant is present in population databases (rs769843518, gnomAD 0.0009%). This variant has not been reported in the literature in individuals affected with VCL-related conditions. An algorithm developed to predict the effect of missense changes on protein structure and function (PolyPhen-2) suggests that this variant is likely to be disruptive. In summary, the available evidence is currently insufficient to determine the role of this variant in disease. Therefore, it has been classified as a Variant of Uncertain Significance.